The following is an entry in ClinVar:

ClinVar aggregate classification (germline): Likely benign. Review status: criteria provided, single submitter (1 of 4 stars). 2 submissions from 2 submitters: Likely benign (1). 1 of the submissions does not count toward it. Last evaluated 2025-12-30.

Conditions:
Bardet-Biedl syndrome (BBS). Identifiers: Orphanet 110, MedGen C0752166, MONDO:0015229.
BBS12-related disorder. Also called: BBS12-related condition.

Allele frequency attached by ClinVar (database versions not stated): gnomAD exomes below 0.00001 and 0.00001; TOPMed 0.00001.
gnomAD v4.1: 4 of 1,614,122 alleles (0.00025%); highest among the groups gnomAD compares: South Asian, 0.0022%; no homozygotes.

Submissions (2):

Labcorp Genetics (formerly Invitae), Labcorp
Classification: Likely benign for Bardet-Biedl syndrome. Last evaluated: 2025-12-30. Review status: criteria provided, single submitter. Criteria: Invitae Variant Classification Sherloc (09022015). Collection method: clinical testing. Allele origin: germline.

PreventionGenetics, part of Exact Sciences
Classification: Likely benign for BBS12-related condition. Last evaluated: 2023-04-28. Review status: no assertion criteria provided. Collection method: clinical testing. Allele origin: germline. Not counted in ClinVar's aggregate classification.
Comment: This variant is classified as likely benign based on ACMG/AMP sequence variant interpretation guidelines (Richards et al. 2015 PMID: 25741868, with internal and published modifications).

NM_152618.3(BBS12):c.1464C>T (p.Ile488=)

Gene: BBS12 (Bardet-Biedl syndrome 12; plus strand). Cytogenetic location: 4q27.
Variant type: single nucleotide variant.
Coding change: c.1464C>T on transcript NM_152618.3 (MANE Select); coding-DNA position 1464, C replaced by T.
Protein change: p.Ile488=; no amino-acid change (isoleucine 488 retained).
Molecular consequence: synonymous variant.
Genome position (GRCh38, 1-based): chr4:122,743,356, C>T. VCF-style: chr4-122743356-C-T. GRCh37 (hg19) VCF-style: chr4-123664511-C-T.
Other names: c.1464C>T (NM_152618.2); c.1464C>T, p.Ile488= (NM_001178007.2).
Identifiers: ClinVar variation 1612087 (VCV001612087.10), dbSNP rs907927925, ClinGen allele CA105249209.
Genomic context (GRCh38, chr4:122,743,356, plus strand): 5'-GGTCTGCGTGACCTTCTGGAGAAGCAGCCCTTTGGATGTTGTAGATAGGAACAACAGAAT[C>T]GCAATCTTATTAAAAACAGAAGGAATTAATTTGGTTACGGCCGTGCTCACTAACCCAGTT-3'
Protein context (NP_689831.2, residues 478-498): PLDVVDRNNR[Ile488=]AILLKTEGIN